The following is an entry in ClinVar:

ClinVar aggregate classification (germline): Uncertain significance (1 of 4 stars; one submission).

Conditions:
Tietz syndrome (TADS). Also called: ALBINISM-DEAFNESS OF TIETZ; HYPOPIGMENTATION/DEAFNESS OF TIETZ; TIETZ ALBINISM-DEAFNESS SYNDROME. Identifiers: Orphanet 42665, MedGen C0391816, MONDO:0007077, OMIM 103500.
Waardenburg syndrome type 2A (WS2A). Also called: WAARDENBURG SYNDROME WITHOUT DYSTOPIA CANTHORUM. Identifiers: Orphanet 3440, MedGen C1860339, MONDO:0008671, OMIM 193510.
Melanoma, cutaneous malignant, susceptibility to, 8. Also called: MELANOMA AND RENAL CELL CARCINOMA, SUSCEPTIBILITY TO; Cutaneous malignant melanoma 8. Identifiers: Orphanet 293822, MedGen C3152204, MONDO:0013759, OMIM 614456.

Submission:

Labcorp Genetics (formerly Invitae), Labcorp
Classification: Uncertain significance for Melanoma, cutaneous malignant, susceptibility to, 8; Waardenburg syndrome type 2A; Tietz syndrome. Last evaluated: 2025-10-11. Review status: criteria provided, single submitter. Criteria: Invitae Variant Classification Sherloc (09022015). Collection method: clinical testing. Allele origin: germline.
Comment: This sequence change replaces leucine, which is neutral and non-polar, with phenylalanine, which is neutral and non-polar, at codon 185 of the MITF protein (p.Leu185Phe). This variant is not present in population databases (gnomAD no frequency). This variant has not been reported in the literature in individuals affected with MITF-related conditions. Invitae Evidence Modeling of protein sequence and biophysical properties (such as structural, functional, and spatial information, amino acid conservation, physicochemical variation, residue mobility, and thermodynamic stability) indicates that this missense variant is not expected to disrupt MITF protein function with a negative predictive value of 80%. In summary, the available evidence is currently insufficient to determine the role of this variant in disease. Therefore, it has been classified as a Variant of Uncertain Significance.

NM_001354604.2(MITF):c.874C>T (p.Leu292Phe)

Gene: MITF (melanocyte inducing transcription factor; plus strand). Cytogenetic location: 3p13.
Variant type: single nucleotide variant.
Coding change: c.874C>T on transcript NM_001354604.2 (MANE Select); coding-DNA position 874, C replaced by T.
Protein change: p.Leu292Phe; replaces leucine 292 with phenylalanine.
Molecular consequence: missense variant.
Genome position (GRCh38, 1-based): chr3:69,949,162, C>T. VCF-style: chr3-69949162-C-T. GRCh37 (hg19) VCF-style: chr3-69998313-C-T.
Other names: c.553C>T, p.Leu185Phe (NM_000248.4, NM_198158.3); c.718C>T, p.Leu240Phe (NM_001184967.2, NM_001354608.2); c.871C>T, p.Leu291Phe (NM_001354605.2, NM_001354606.2, NM_006722.3); c.823C>T, p.Leu275Phe (NM_001354607.2); c.874C>T, p.Leu292Phe (NM_198159.3); c.826C>T, p.Leu276Phe (NM_198177.3); c.385C>T, p.Leu129Phe (NM_198178.3); short protein forms L291F, L240F, L275F, L276F, L129F, L292F, L185F.
Identifiers: ClinVar variation 4783194 (VCV004783194.1).
Genomic context (GRCh38, chr3:69,949,162, plus strand): 5'-CCACCAGGCCTCACCATCAGCAACTCCTGTCCAGCCAACCTTCCCAACATAAAAAGGGAG[C>T]TCACAGGTAAACACCTAGTAAATGTGCCTCTTACTGCAGATTTCTGTCCATTTCCTGATA-3'
Protein context (NP_001341533.1, residues 282-302): PANLPNIKRE[Leu292Phe]TACIFPTESE